The following is an entry in ClinVar:

ClinVar aggregate classification (germline): Uncertain significance. Review status: criteria provided, multiple submitters, no conflicts (2 of 4 stars). 2 submissions from 2 submitters: Uncertain significance (2). Last evaluated 2021-08-12.

Conditions:
Short-rib thoracic dysplasia 13 with or without polydactyly (SRTD13). Identifiers: Orphanet 474, MedGen C4225378, MONDO:0014577, OMIM 616300.

Allele frequency attached by ClinVar (database versions not stated): gnomAD exomes below 0.00001.
gnomAD v4.1: 3 of 1,606,402 alleles (0.00019%); highest among the groups gnomAD compares: Non-Finnish European, 0.00026%; no homozygotes.

Submissions (2):

Labcorp Genetics (formerly Invitae), Labcorp
Classification: Uncertain significance for Short-rib thoracic dysplasia 13 with or without polydactyly. Last evaluated: 2021-08-12. Review status: criteria provided, single submitter. Criteria: Invitae Variant Classification Sherloc (09022015). Collection method: clinical testing. Allele origin: germline.
Comment: This sequence change falls in intron 8 of the CEP120 gene. It does not directly change the encoded amino acid sequence of the CEP120 protein. It affects a nucleotide within the consensus splice site of the intron. This variant is not present in population databases (ExAC no frequency). This variant has been observed in individual(s) with Joubert syndrome (Invitae). ClinVar contains an entry for this variant (Variation ID: 423654). Variants that disrupt the consensus splice site are a relatively common cause of aberrant splicing (PMID: 17576681, 9536098). Algorithms developed to predict the effect of sequence changes on RNA splicing suggest that this variant is not likely to affect RNA splicing. In summary, the available evidence is currently insufficient to determine the role of this variant in disease. Therefore, it has been classified as a Variant of Uncertain Significance.

GeneDx
Classification: Uncertain significance. Last evaluated: 2017-03-02. Review status: criteria provided, single submitter. Criteria: GeneDx Variant Classification (06012015). Collection method: clinical testing. Allele origin: germline. Affected: yes.
Comment: The c.1038+6T>C variant in the CEP120 gene has not been reported previously as a pathogenic variant nor as a benign variant, to our knowledge. Splice predictor analysis is inconsistent in its predictions as to whether or not the variant has an effect on splicing and could be damaging to the protein structure/function. In the absence of RNA/functional studies, the actual effect of this sequence change in this individual is unknown. The c.1038+6T>C variant is not observed in large population cohorts (Lek et al., 2016; 1000 Genomes Consortium et al., 2015; Exome Variant Server). We interpret c.1038+6T>C as a variant of uncertain significance.

Literature cited by the submitters: PubMed 17576681 (cited by Labcorp Genetics (formerly Invitae), Labcorp); PubMed 9536098 (cited by Labcorp Genetics (formerly Invitae), Labcorp).

NM_001375405.1(CEP120):c.1038+6T>C

Gene: CEP120 (centrosomal protein 120; minus strand). Cytogenetic location: 5q23.2.
Variant type: single nucleotide variant.
Coding change: c.1038+6T>C on transcript NM_001375405.1 (MANE Select); 6 bases into the intron after coding-DNA position 1038, T replaced by C.
Molecular consequence: intron variant.
Genome position (GRCh38, 1-based): chr5:123,391,104, A>G on the plus strand (T>C on the coding strand, the complement: CEP120 is on the minus strand). VCF-style: chr5-123391104-A-G. GRCh37 (hg19) VCF-style: chr5-122726798-A-G.
Other names: c.960+6T>C (NM_001166226.2); c.1038+6T>C (NM_153223.4, NM_001375406.1, NM_001375407.1); c.465+6T>C (NM_001375408.1, NM_001375409.1).
Identifiers: ClinVar variation 423654 (VCV000423654.9), dbSNP rs1064796555, ClinGen allele CA16618097.